The following is an entry in ClinVar:

ClinVar aggregate classification (germline): Uncertain significance (1 of 4 stars; one submission).

Conditions:
Long QT syndrome (LQTS). Identifiers: MedGen C0023976, MeSH D008133, MONDO:0002442. Disease mechanism: loss of function. Inheritance: Various modes of inheritance.

Allele frequency attached by ClinVar (database versions not stated): gnomAD exomes below 0.00001.

Submission:

Labcorp Genetics (formerly Invitae), Labcorp
Classification: Uncertain significance for Long QT syndrome. Last evaluated: 2022-04-21. Review status: criteria provided, single submitter. Criteria: Invitae Variant Classification Sherloc (09022015). Collection method: clinical testing. Allele origin: germline.
Comment: This sequence change replaces threonine, which is neutral and polar, with isoleucine, which is neutral and non-polar, at codon 416 of the AKAP9 protein (p.Thr416Ile). This variant is not present in population databases (gnomAD no frequency). In summary, the available evidence is currently insufficient to determine the role of this variant in disease. Therefore, it has been classified as a Variant of Uncertain Significance. Algorithms developed to predict the effect of missense changes on protein structure and function are either unavailable or do not agree on the potential impact of this missense change (SIFT: "Deleterious"; PolyPhen-2: "Benign"; Align-GVGD: "Class C0"). This variant has not been reported in the literature in individuals affected with AKAP9-related conditions.

NM_005751.5(AKAP9):c.1247C>T (p.Thr416Ile)

Gene: AKAP9 (A-kinase anchoring protein 9; plus strand). Cytogenetic location: 7q21.2.
Variant type: single nucleotide variant.
Coding change: c.1247C>T on transcript NM_005751.5 (MANE Select); coding-DNA position 1247, C replaced by T.
Protein change: p.Thr416Ile; replaces threonine 416 with isoleucine.
Molecular consequence: missense variant.
Genome position (GRCh38, 1-based): chr7:92,001,164, C>T. VCF-style: chr7-92001164-C-T. GRCh37 (hg19) VCF-style: chr7-91630478-C-T.
Other names: c.1247C>T, p.Thr416Ile (NM_147185.3); short protein forms T416I.
Identifiers: ClinVar variation 1983416 (VCV001983416.4), dbSNP rs2484689404, ClinGen allele CA368121350.